The following is an entry in ClinVar:

NM_001282426.2(PIK3CG):c.2455G>A (p.Asp819Asn)

Gene: PIK3CG (phosphatidylinositol-4,5-bisphosphate 3-kinase catalytic subunit gamma; plus strand). Cytogenetic location: 7q22.3.
Variant type: single nucleotide variant.
Coding change: c.2455G>A on transcript NM_001282426.2 (MANE Select); coding-DNA position 2455, G replaced by A.
Protein change: p.Asp819Asn; replaces aspartic acid 819 with asparagine.
Molecular consequence: missense variant.
Genome position (GRCh38, 1-based): chr7:106,879,582, G>A. VCF-style: chr7-106879582-G-A. GRCh37 (hg19) VCF-style: chr7-106520027-G-A.
Other names: c.2455G>A, p.Asp819Asn (NM_001282427.2, NM_002649.3); short protein forms D819N.
Identifiers: ClinVar variation 993884 (VCV000993884.8), dbSNP rs370034420, ClinGen allele CA4429590.

ClinVar aggregate classification (germline): Uncertain significance (1 of 4 stars; one submission).

Allele frequency attached by ClinVar (database versions not stated): ExAC 0.00011; gnomAD exomes 0.00012; gnomAD 0.00004; TOPMed 0.00006; ESP Exome Variant Server 0.00015.
gnomAD v4.1: 148 of 1,612,400 alleles (0.0092%); highest among the groups gnomAD compares: Middle Eastern, 0.066%; no homozygotes.

Submission:

ARUP Laboratories, Molecular Genetics and Genomics, ARUP Laboratories
Classification: Uncertain significance. Last evaluated: 2020-06-11. Review status: criteria provided, single submitter. Criteria: ARUP Molecular Germline Variant Investigation Process. Collection method: clinical testing. Allele origin: germline.
Comment: The PIK3CG c.2455G>A; p.Asp819Asn variant (rs370034420), to our knowledge, is not reported in the medical literature or gene specific databases. This variant is found in the Ashkenazi Jewish population with an allele frequency of 0.16% (17/10370 alleles) in the Genome Aggregation Database. The aspartic acid at codon 819 is highly conserved, and computational analyses (SIFT, PolyPhen-2) predict that this variant is deleterious. Due to limited information, the clinical significance of the p.Asp819Asn variant is uncertain at this time.